The following is an entry in ClinVar:

ClinVar aggregate classification (germline): Benign. Review status: criteria provided, multiple submitters, no conflicts (2 of 4 stars). 4 submissions from 4 submitters: Benign (4). Last evaluated 2021-12-05.

Conditions:
Progressive myositis ossificans (FOP). Also called: Myositis ossificans progressiva; Progressive ossifying myositis; Fibrodysplasia Ossificans Progressiva. Identifiers: Orphanet 337, MedGen C0016037, MONDO:0007606, OMIM 135100.

Allele frequency attached by ClinVar (database versions not stated): gnomAD exomes 0.00213 and 0.00496; ExAC 0.00599; gnomAD 0.01752 and 0.01869; TOPMed 0.01929; ESP Exome Variant Server 0.01976; 1000 Genomes Project 0.02057; 1000 Genomes Project 30x 0.02217.
gnomAD v4.1: 5,977 of 1,610,494 alleles (0.37%); highest among the groups gnomAD compares: African/African-American, 6%; 127 homozygotes.

Submissions (7):

Genome-Nilou Lab
Classification: Benign for Progressive myositis ossificans. Last evaluated: 2021-12-05. Review status: criteria provided, single submitter. Criteria: ACMG Guidelines, 2015. Collection method: clinical testing. Allele origin: germline. Affected: no.

GeneDx
Classification: Benign. Last evaluated: 2021-05-11. Review status: criteria provided, single submitter. Criteria: GeneDx Variant Classification Process June 2021. Collection method: clinical testing. Allele origin: germline. Affected: yes.

Illumina Laboratory Services, Illumina
Classification: Benign for Progressive myositis ossificans. Last evaluated: 2018-01-13. Review status: criteria provided, single submitter. Criteria: ICSL Variant Classification Criteria 13 December 2019. Collection method: clinical testing. Allele origin: germline.
Comment: This variant was observed in the ICSL laboratory as part of a predisposition screen in an ostensibly healthy population. It had not been previously curated by ICSL or reported in the Human Gene Mutation Database (HGMD: prior to June 1st, 2018), and was therefore a candidate for classification through an automated scoring system. Utilizing variant allele frequency, disease prevalence and penetrance estimates, and inheritance mode, an automated score was calculated to assess if this variant is too frequent to cause the disease. Based on the score and internal cut-off values, a variant classified as benign is not then subjected to further curation. The score for this variant resulted in a classification of benign for this disease.

Breakthrough Genomics
Classification: Benign. Review status: criteria provided, single submitter. Criteria: ACMG Guidelines, 2015. Collection method: not provided. Allele origin: germline. Inheritance: Autosomal dominant inheritance. Affected: yes.

Dr. Peter K. Rogan Lab, Western University
No classification provided (evidence only). Condition: Lung cancer. Review status: no classification provided. Collection method: in vitro. Allele origin: not applicable. Functional consequence: retained intron. Not counted in ClinVar's aggregate classification.

Dr. Peter K. Rogan Lab, Western University
No classification provided (evidence only). Condition: Lung cancer. Review status: no classification provided. Collection method: in vitro. Allele origin: not applicable. Functional consequence: retained intron. Not counted in ClinVar's aggregate classification.

Dr. Peter K. Rogan Lab, Western University
No classification provided (evidence only). Condition: Sarcoma. Review status: no classification provided. Collection method: in vitro. Allele origin: not applicable. Functional consequence: retained intron. Not counted in ClinVar's aggregate classification.

NM_001111067.4(ACVR1):c.*45G>T

Gene: ACVR1 (activin A receptor type 1; minus strand). Cytogenetic location: 2q24.1.
Variant type: single nucleotide variant.
Coding change: c.*45G>T on transcript NM_001111067.4 (MANE Select); 45 bases downstream of the stop codon, G replaced by T.
Molecular consequence: 3 prime UTR variant.
Genome position (GRCh38, 1-based): chr2:157,737,486, C>A on the plus strand (G>T on the coding strand, the complement: ACVR1 is on the minus strand). VCF-style: chr2-157737486-C-A. GRCh37 (hg19) VCF-style: chr2-158593998-C-A.
Other names: NC_000002.11:g.158593998C>A; c.*45G>T (NM_001105.5, NM_001347663.1, NM_001347664.1 and 3 more transcripts).
Identifiers: ClinVar variation 331687 (VCV000331687.9), dbSNP rs12936, ClinGen allele CA1918922.